The following is an entry in ClinVar:

ClinVar aggregate classification (germline): Pathogenic (1 of 4 stars; one submission).

Conditions:
Familial thoracic aortic aneurysm and aortic dissection (TAAD). Also called: Thoracic aortic aneurysms and dissections. Identifiers: Orphanet 91387, MedGen C4707243, MONDO:0019625.
Marfan syndrome (MFS). Also called: MARFAN SYNDROME, TYPE I; Marfan syndrome type 1; Marfan's syndrome; Marfan syndrome, classic; FBN1-Related Marfan Syndrome. Identifiers: Orphanet 284963, Orphanet 558, MedGen C0024796, MONDO:0007947, OMIM 154700.

Submission:

Labcorp Genetics (formerly Invitae), Labcorp
Classification: Pathogenic for Marfan syndrome; Familial thoracic aortic aneurysm and aortic dissection. Last evaluated: 2025-07-03. Review status: criteria provided, single submitter. Criteria: Invitae Variant Classification Sherloc (09022015). Collection method: clinical testing. Allele origin: germline.
Comment: This sequence change affects a donor splice site in intron 24 of the FBN1 gene. It is expected to disrupt RNA splicing. Variants that disrupt the donor or acceptor splice site typically lead to a loss of protein function (PMID: 16199547), and loss-of-function variants in FBN1 are known to be pathogenic (PMID: 17657824, 19293843). This variant is not present in population databases (gnomAD no frequency). Disruption of this splice site has been observed in individuals with clinical features of Marfan syndrome (PMID: 24199744, 27906200; internal data). ClinVar contains an entry for this variant (Variation ID: 2137699). Algorithms developed to predict the effect of sequence changes on RNA splicing suggest that this variant may disrupt the consensus splice site. For these reasons, this variant has been classified as Pathogenic.

Literature cited by the submitters: PubMed 16199547; PubMed 17657824; PubMed 19293843; PubMed 24199744; PubMed 27906200.

NM_000138.5(FBN1):c.2854+1G>A

Gene: FBN1 (fibrillin 1; minus strand). Cytogenetic location: 15q21.1.
Variant type: single nucleotide variant.
Coding change: c.2854+1G>A on transcript NM_000138.5 (MANE Select); the canonical splice donor site of the intron after coding-DNA position 2854, G replaced by A.
Molecular consequence: splice donor variant.
Genome position (GRCh38, 1-based): chr15:48,492,460, C>T on the plus strand (G>A on the coding strand, the complement: FBN1 is on the minus strand). VCF-style: chr15-48492460-C-T. GRCh37 (hg19) VCF-style: chr15-48784657-C-T.
Other names: c.2854+1G>A (NM_001406716.1).
Identifiers: ClinVar variation 2137699 (VCV002137699.4), dbSNP rs112809590, ClinGen allele CA392330387.
Genomic context (GRCh38, chr15:48,492,460, plus strand): 5'-ACTTCATTTTTAATAATCGTTAATAAATTATTATTAGAAAAATAATGAGCTCAGTATTTA[C>T]CAAGACAGATCCTTCCTGTGGCATCCAAAGTCATTCCACTGGGACACTGACACTTGAATG-3'